The following is an entry in ClinVar:

ClinVar aggregate classification (germline): Uncertain significance. Review status: criteria provided, multiple submitters, no conflicts (2 of 4 stars). 2 submissions from 2 submitters: Uncertain significance (2). Last evaluated 2024-11-19.

Conditions:
Polycystic kidney disease, adult type (PKD1). Also called: Polycystic Kidney Disease 1, Autosomal Dominant; Polycystic kidney disease 1; Polycystic kidney disease 1, severe; POLYCYSTIC KIDNEY DISEASE 1 WITH OR WITHOUT POLYCYSTIC LIVER DISEASE; POLYCYSTIC KIDNEY DISEASE, ADULT, TYPE I; Polycystic Kidney, Autosomal Dominant. Identifiers: MedGen C3149841, MONDO:0008263, OMIM 173900.

Submissions (2):

GeneDx
Classification: Uncertain significance. Last evaluated: 2024-11-19. Review status: criteria provided, single submitter. Criteria: GeneDx Variant Classification Process June 2021. Collection method: clinical testing. Allele origin: germline. Affected: yes.
Comment: Not observed at significant frequency in large population cohorts (gnomAD); In silico analysis supports that this missense variant has a deleterious effect on protein structure/function; Has not been previously published as pathogenic or benign to our knowledge

Fulgent Genetics
Classification: Uncertain significance for Polycystic kidney disease, adult type. Last evaluated: 2024-02-08. Review status: criteria provided, single submitter. Criteria: ACMG Guidelines, 2015. Collection method: clinical testing. Allele origin: germline.

NM_001009944.3(PKD1):c.8608C>T (p.Arg2870Cys)

Gene: PKD1 (polycystin 1, transient receptor potential channel interacting; minus strand). Cytogenetic location: 16p13.3.
Variant type: single nucleotide variant.
Coding change: c.8608C>T on transcript NM_001009944.3 (MANE Select); coding-DNA position 8608, C replaced by T.
Protein change: p.Arg2870Cys; replaces arginine 2870 with cysteine.
Molecular consequence: missense variant.
Genome position (GRCh38, 1-based): chr16:2,103,449, G>A on the plus strand (C>T on the coding strand, the complement: PKD1 is on the minus strand). VCF-style: chr16-2103449-G-A. GRCh37 (hg19) VCF-style: chr16-2153450-G-A.
Other names: c.8608C>T, p.Arg2870Cys (NM_000296.4); short protein forms R2870C.
Identifiers: ClinVar variation 3579162 (VCV003579162.2).
Genomic context (GRCh38, chr16:2,103,449, plus strand): 5'-AGCTGCGGTGGCCCCGGGCAGCCCAGTCCGAGTTGTTGGGCACCTTCACGGTGATGGCGC[G>A]CTCTGAGGCCAGCCGCTCGATGGGGATCTGGGCGCCGGCCTGTGTCTGGAATGCCATCGA-3'
Protein context (NP_001009944.3, residues 2860-2880): QIPIERLASE[Arg2870Cys]AITVKVPNNS